The following is an entry in ClinVar:

NM_001379210.1(SLC25A26):c.499-233A>G

Gene: SLC25A26 (solute carrier family 25 member 26; plus strand). Cytogenetic location: 3p14.1.
Variant type: single nucleotide variant.
Coding change: c.499-233A>G on transcript NM_001379210.1 (MANE Select); 233 bases into the intron before coding-DNA position 499, A replaced by G.
Molecular consequence: intron variant.
Genome position (GRCh38, 1-based): chr3:66,362,627, A>G. VCF-style: chr3-66362627-A-G. GRCh37 (hg19) VCF-style: chr3-66413051-A-G.
Other names: c.499-233A>G (NM_173471.4); c.235-233A>G (NM_001350993.1, NM_001164796.1).
Identifiers: ClinVar variation 673260 (VCV000673260.1), dbSNP rs73833476, ClinGen allele CA76432783.
Genomic context (GRCh38, chr3:66,362,627, plus strand): 5'-ATGAGTCAGTTCACTATCTGAATTGTGGCGATGATGTTTTGTGTGCGTGCACACACACAT[A>G]TGTATTCTCTGAAAATTGTTTACTTTGAGCACTCTAATGTAGCTGTCACTCTCATTTCTG-3'

ClinVar aggregate classification (germline): Benign (1 of 4 stars; one submission).

Allele frequency attached by ClinVar (database versions not stated): gnomAD 0.03765 and 0.04040; TOPMed 0.04224; 1000 Genomes Project 0.04233; 1000 Genomes Project 30x 0.04403.
gnomAD v4.1: 5,679 of 152,218 alleles (3.7%); highest among the groups gnomAD compares: African/African-American, 13%; 339 homozygotes.

Submission:

GeneDx
Classification: Benign. Last evaluated: 2018-06-14. Review status: criteria provided, single submitter. Criteria: GeneDx Variant Classification (06012015). Collection method: clinical testing. Allele origin: germline. Affected: yes.
Comment: This variant is considered likely benign or benign based on one or more of the following criteria: it is a conservative change, it occurs at a poorly conserved position in the protein, it is predicted to be benign by multiple in silico algorithms, and/or has population frequency not consistent with disease.